The following is an entry in ClinVar:

NM_006389.5(HYOU1):c.1846C>T (p.Pro616Ser)

Gene: HYOU1 (hypoxia up-regulated 1; minus strand). Cytogenetic location: 11q23.3.
Variant type: single nucleotide variant.
Coding change: c.1846C>T on transcript NM_006389.5 (MANE Select); coding-DNA position 1846, C replaced by T.
Protein change: p.Pro616Ser; replaces proline 616 with serine.
Molecular consequence: missense variant.
Genome position (GRCh38, 1-based): chr11:119,049,164, G>A on the plus strand (C>T on the coding strand, the complement: HYOU1 is on the minus strand). VCF-style: chr11-119049164-G-A. GRCh37 (hg19) VCF-style: chr11-118919876-G-A.
Other names: c.1846C>T, p.Pro616Ser (NM_001130991.3, NM_001411041.1); short protein forms P616S.
Identifiers: ClinVar variation 2701926 (VCV002701926.3), dbSNP rs1944260383, ClinGen allele CA382931558.

ClinVar aggregate classification (germline): Uncertain significance (1 of 4 stars; one submission).

Allele frequency attached by ClinVar (database versions not stated): TOPMed below 0.00001.

Submission:

Labcorp Genetics (formerly Invitae), Labcorp
Classification: Uncertain significance. Last evaluated: 2024-05-02. Review status: criteria provided, single submitter. Criteria: Invitae Variant Classification Sherloc (09022015). Collection method: clinical testing. Allele origin: germline.
Comment: This sequence change replaces proline, which is neutral and non-polar, with serine, which is neutral and polar, at codon 616 of the HYOU1 protein (p.Pro616Ser). This variant is not present in population databases (gnomAD no frequency). This variant has not been reported in the literature in individuals affected with HYOU1-related conditions. An algorithm developed to predict the effect of missense changes on protein structure and function (PolyPhen-2) suggests that this variant is likely to be tolerated. In summary, the available evidence is currently insufficient to determine the role of this variant in disease. Therefore, it has been classified as a Variant of Uncertain Significance.